The following is an entry in ClinVar:

ClinVar aggregate classification (germline): Benign/Likely benign. Review status: criteria provided, multiple submitters, no conflicts (2 of 4 stars). 6 submissions from 6 submitters: Benign (1); Likely benign (5). Last evaluated 2026-01-28.

Conditions:
Glycogen storage disease IXb (GSD9B). Also called: PHOSPHORYLASE KINASE DEFICIENCY OF LIVER AND MUSCLE, AUTOSOMAL RECESSIVE; GLYCOGENOSIS OF LIVER AND MUSCLE, AUTOSOMAL RECESSIVE; GSD IXb. Identifiers: Orphanet 79240, MedGen C0543514, MONDO:0009868, OMIM 261750.

Allele frequency attached by ClinVar (database versions not stated): gnomAD exomes 0.00017 and 0.00049; ExAC 0.00061; gnomAD 0.00192 and 0.00206; ESP Exome Variant Server 0.00200; TOPMed 0.00209; 1000 Genomes Project 30x 0.00219; 1000 Genomes Project 0.00220.
gnomAD v4.1: 556 of 1,577,330 alleles (0.035%); highest among the groups gnomAD compares: African/African-American, 0.59%; 1 homozygote.

Submissions (6):

Labcorp Genetics (formerly Invitae), Labcorp
Classification: Benign for Glycogen storage disease IXb. Last evaluated: 2026-01-28. Review status: criteria provided, single submitter. Criteria: Invitae Variant Classification Sherloc (09022015). Collection method: clinical testing. Allele origin: germline.

ARUP Laboratories, Molecular Genetics and Genomics, ARUP Laboratories
Classification: Likely benign for Glycogen storage disease IXb. Last evaluated: 2025-01-06. Review status: criteria provided, single submitter. Criteria: ARUP Molecular Germline Variant Investigation Process 2024. Collection method: clinical testing. Allele origin: germline.

Blueprint Genetics
Classification: Likely benign. Last evaluated: 2024-10-08. Review status: criteria provided, single submitter. Criteria: ACMG Guidelines, 2015. Collection method: clinical testing. Allele origin: germline.

CeGaT Center for Human Genetics Tuebingen
Classification: Likely benign. Last evaluated: 2023-12-01. Review status: criteria provided, single submitter. Criteria: CeGaT Center For Human Genetics Tuebingen Variant Classification Criteria Version 2. Collection method: clinical testing. Allele origin: germline. Affected: yes. Observed: 1 variant allele.
Comment: PHKB: BP4, BP7

GeneDx
Classification: Likely benign. Last evaluated: 2018-05-11. Review status: criteria provided, single submitter. Criteria: GeneDx Variant Classification Process June 2021. Collection method: clinical testing. Allele origin: germline. Affected: yes.

Breakthrough Genomics
Classification: Likely benign. Review status: criteria provided, single submitter. Criteria: ACMG Guidelines, 2015. Collection method: not provided. Allele origin: germline. Inheritance: Autosomal recessive inheritance. Affected: yes.

NM_000293.3(PHKB):c.1446G>A (p.Arg482=)

Gene: PHKB (phosphorylase kinase regulatory subunit beta; plus strand). Cytogenetic location: 16q12.1.
Variant type: single nucleotide variant.
Coding change: c.1446G>A on transcript NM_000293.3 (MANE Select); coding-DNA position 1446, G replaced by A.
Protein change: p.Arg482=; no amino-acid change (arginine 482 retained).
Molecular consequence: synonymous variant.
Genome position (GRCh38, 1-based): chr16:47,610,908, G>A. VCF-style: chr16-47610908-G-A. GRCh37 (hg19) VCF-style: chr16-47644819-G-A.
Other names: c.1425G>A, p.Arg475= (NM_001031835.3); c.1446G>A, p.Arg482= (NM_001363837.1).
Identifiers: ClinVar variation 389594 (VCV000389594.38), dbSNP rs149812232, ClinGen allele CA8040817.